The following is an entry in ClinVar:

ClinVar aggregate classification (germline): Uncertain significance (1 of 4 stars; one submission).

Allele frequency attached by ClinVar (database versions not stated): gnomAD exomes below 0.00001.
gnomAD v4.1: 4 of 1,591,166 alleles (0.00025%); highest among the groups gnomAD compares: Admixed American, 0.0018%; no homozygotes.

Submission:

CeGaT Center for Human Genetics Tuebingen
Classification: Uncertain significance. Last evaluated: 2023-08-01. Review status: criteria provided, single submitter. Criteria: CeGaT Center For Human Genetics Tuebingen Variant Classification Criteria Version 2. Collection method: clinical testing. Allele origin: germline. Affected: yes. Observed: 1 variant allele.
Comment: CHD1: PM2

NM_001270.4(CHD1):c.592A>G (p.Lys198Glu)

Gene: CHD1 (chromodomain helicase DNA binding protein 1; minus strand). Cytogenetic location: 5q21.1.
Variant type: single nucleotide variant.
Coding change: c.592A>G on transcript NM_001270.4 (MANE Select); coding-DNA position 592, A replaced by G.
Protein change: p.Lys198Glu; replaces lysine 198 with glutamic acid.
Molecular consequence: missense variant. On other transcripts: non-coding transcript variant (2).
Genome position (GRCh38, 1-based): chr5:98,901,078, T>C on the plus strand (A>G on the coding strand, the complement: CHD1 is on the minus strand). VCF-style: chr5-98901078-T-C. GRCh37 (hg19) VCF-style: chr5-98236782-T-C.
Other names: c.592A>G, p.Lys198Glu (NM_001364113.3, NM_001376194.2); short protein forms K198E.
Identifiers: ClinVar variation 2655619 (VCV002655619.24), dbSNP rs1012609714, ClinGen allele CA123047658.
Genomic context (GRCh38, chr5:98,901,078, plus strand): 5'-CCTCAGATGAATCAATCTGTCTCTTTTTTTGTCCAAGAATCTTCTTTCCATTTTTTGACT[T>C]AGATCTAGGAAAGTGCAAAGAGAAAAAAAAACAAGATTTGAGAAACTATATACAAAAAGA-3'
Protein context (NP_001261.2, residues 188-208): VKSRKPQNRS[Lys198Glu]SKNGKKILGQ